The following is an entry in ClinVar:

NM_024757.5(EHMT1):c.2616A>G (p.Gly872=)

Gene: EHMT1 (euchromatic histone lysine methyltransferase 1; plus strand). Cytogenetic location: 9q34.3.
Variant type: single nucleotide variant.
Coding change: c.2616A>G on transcript NM_024757.5 (MANE Select); coding-DNA position 2616, A replaced by G.
Protein change: p.Gly872=; no amino-acid change (glycine 872 retained).
Molecular consequence: synonymous variant.
Genome position (GRCh38, 1-based): chr9:137,800,888, A>G. VCF-style: chr9-137800888-A-G. GRCh37 (hg19) VCF-style: chr9-140695340-A-G.
Other names: c.2595A>G, p.Gly865= (NM_001354263.2).
Identifiers: ClinVar variation 462984 (VCV000462984.20), dbSNP rs779277999, ClinGen allele CA5375014.

ClinVar aggregate classification (germline): Benign/Likely benign. Review status: criteria provided, multiple submitters, no conflicts (2 of 4 stars). 4 submissions from 4 submitters: Benign (1); Likely benign (3). Last evaluated 2026-08-01.

Conditions:
Inborn genetic diseases. Identifiers: MedGen C0950123, MeSH D030342.
Kleefstra syndrome 1 (KLEFS1). Identifiers: Orphanet 261494, MedGen C0795833, MONDO:0027407, OMIM 610253.

Allele frequency attached by ClinVar (database versions not stated): gnomAD 0.00001; ExAC 0.00002; gnomAD exomes 0.00004 and 0.00009; TOPMed 0.00007.
gnomAD v4.1: 23 of 1,613,948 alleles (0.0014%); highest among the groups gnomAD compares: Admixed American, 0.037%; no homozygotes.

Submissions (4):

CeGaT Center for Human Genetics Tuebingen
Classification: Likely benign. Last evaluated: 2026-08-01. Review status: criteria provided, single submitter. Criteria: CeGaT Center For Human Genetics Tuebingen Variant Classification Criteria Version 2. Collection method: clinical testing. Allele origin: germline. Affected: yes. Observed: 4 variant alleles.
Comment: EHMT1: BP4, BP7

Labcorp Genetics (formerly Invitae), Labcorp
Classification: Likely benign for Kleefstra syndrome 1. Last evaluated: 2025-10-13. Review status: criteria provided, single submitter. Criteria: Invitae Variant Classification Sherloc (09022015). Collection method: clinical testing. Allele origin: germline.

GeneDx
Classification: Likely benign. Last evaluated: 2020-10-17. Review status: criteria provided, single submitter. Criteria: GeneDx Variant Classification Process June 2021. Collection method: clinical testing. Allele origin: germline. Affected: yes.

Ambry Genetics
Classification: Benign for Inborn genetic diseases. Last evaluated: 2019-03-28. Review status: criteria provided, single submitter. Criteria: Ambry Variant Classification Scheme 2023. Collection method: clinical testing. Allele origin: germline.